The following is an entry in ClinVar:

NM_004380.3(CREBBP):c.4021C>T (p.Arg1341Ter)

Gene: CREBBP (CREB binding lysine acetyltransferase; minus strand). Cytogenetic location: 16p13.3.
Variant type: single nucleotide variant.
Coding change: c.4021C>T on transcript NM_004380.3 (MANE Select); coding-DNA position 4021, C replaced by T.
Protein change: p.Arg1341Ter; replaces arginine 1341 with a stop codon.
Molecular consequence: nonsense.
Genome position (GRCh38, 1-based): chr16:3,740,511, G>A on the plus strand (C>T on the coding strand, the complement: CREBBP is on the minus strand). VCF-style: chr16-3740511-G-A. GRCh37 (hg19) VCF-style: chr16-3790512-G-A.
Other names: c.3907C>T, p.Arg1303Ter (NM_001079846.1); short protein forms R1303*, R1341*.
Identifiers: ClinVar variation 2430822 (VCV002430822.2), dbSNP rs1490222282, ClinGen allele CA394565439.
Genomic context (GRCh38, chr16:3,740,511, plus strand): 5'-CTCGGACAAAAACCTCCCCGGCTTCAGGGTGATTCTGGCGCCGCAAAAATTTGTTCACTC[G>A]GTCTTCCAAGTGGTTTCCCAGTCTTGTGGTCTGCAGCCCTAGGAAGTCCAGAAGGAGCAG-3'

ClinVar aggregate classification (germline): Pathogenic (1 of 4 stars; one submission).

Submission:

GeneDx
Classification: Pathogenic. Last evaluated: 2025-09-30. Review status: criteria provided, single submitter. Criteria: GeneDx Variant Classification Process June 2021. Collection method: clinical testing. Allele origin: germline.
Comment: Nonsense variant predicted to result in protein truncation or nonsense mediated decay in a gene for which loss of function is a known mechanism of disease; Not observed at significant frequency in large population cohorts (gnomAD); This variant is associated with the following publications: (PMID: 22591219)